The following is an entry in ClinVar:

ClinVar aggregate classification (germline): Uncertain significance (1 of 4 stars; one submission).

Conditions:
Ullrich congenital muscular dystrophy 2 (UCMD2). Identifiers: Orphanet 75840, MedGen C4225314, MONDO:0014654, OMIM 616470.
Bethlem myopathy 2 (BTHLM2). Identifiers: Orphanet 536516, Orphanet 610, MedGen C4225313, MONDO:0034022, OMIM 616471.

gnomAD v4.1: 1 of 1,614,130 alleles (0.000062%); no homozygotes.

Submission:

Labcorp Genetics (formerly Invitae), Labcorp
Classification: Uncertain significance for Bethlem myopathy 2; Ullrich congenital muscular dystrophy 2. Last evaluated: 2024-05-08. Review status: criteria provided, single submitter. Criteria: Invitae Variant Classification Sherloc (09022015). Collection method: clinical testing. Allele origin: germline.
Comment: This sequence change replaces isoleucine, which is neutral and non-polar, with valine, which is neutral and non-polar, at codon 616 of the COL12A1 protein (p.Ile616Val). This variant is not present in population databases (gnomAD no frequency). This variant has not been reported in the literature in individuals affected with COL12A1-related conditions. Advanced modeling of protein sequence and biophysical properties (such as structural, functional, and spatial information, amino acid conservation, physicochemical variation, residue mobility, and thermodynamic stability) performed at Invitae indicates that this missense variant is not expected to disrupt COL12A1 protein function with a negative predictive value of 80%. In summary, the available evidence is currently insufficient to determine the role of this variant in disease. Therefore, it has been classified as a Variant of Uncertain Significance.

NM_004370.6(COL12A1):c.1846A>G (p.Ile616Val)

Gene: COL12A1 (collagen type XII alpha 1 chain; minus strand). Cytogenetic location: 6q13.
Variant type: single nucleotide variant.
Coding change: c.1846A>G on transcript NM_004370.6 (MANE Select); coding-DNA position 1846, A replaced by G.
Protein change: p.Ile616Val; replaces isoleucine 616 with valine.
Molecular consequence: missense variant. On other transcripts: intron variant (2).
Genome position (GRCh38, 1-based): chr6:75,183,095, T>C on the plus strand (A>G on the coding strand, the complement: COL12A1 is on the minus strand). VCF-style: chr6-75183095-T-C. GRCh37 (hg19) VCF-style: chr6-75892811-T-C.
Other names: c.1846A>G, p.Ile616Val (NM_001424113.1, NM_001424114.1, NM_001424115.1); c.73+19625A>G (NM_001424116.1, NM_080645.3); short protein forms I616V.
Identifiers: ClinVar variation 3749969 (VCV003749969.2).